The following is an entry in ClinVar:

NM_001037.5(SCN1B):c.506T>C (p.Val169Ala)

Gene: SCN1B (sodium voltage-gated channel beta subunit 1; plus strand). Cytogenetic location: 19q13.11.
Variant type: single nucleotide variant.
Coding change: c.506T>C on transcript NM_001037.5 (MANE Select); coding-DNA position 506, T replaced by C.
Protein change: p.Val169Ala; replaces valine 169 with alanine.
Molecular consequence: missense variant.
Genome position (GRCh38, 1-based): chr19:35,039,174, T>C. VCF-style: chr19-35039174-T-C. GRCh37 (hg19) VCF-style: chr19-35530078-T-C.
Other names: c.407T>C, p.Val136Ala (NM_001321605.2); short protein forms V169A, V136A.
Identifiers: ClinVar variation 1414162 (VCV001414162.11), dbSNP rs1487883672, ClinGen allele CA405330017.

ClinVar aggregate classification (germline): Uncertain significance. Review status: criteria provided, multiple submitters, no conflicts (2 of 4 stars). 3 submissions from 3 submitters: Uncertain significance (3). Last evaluated 2025-12-13.

Conditions:
Brugada syndrome 5 (BRGDA5). Identifiers: Orphanet 130, Orphanet 871, MedGen C2748541, MONDO:0013015, OMIM 612838.
Cardiovascular phenotype. Identifiers: MedGen CN230736.

Allele frequency attached by ClinVar (database versions not stated): gnomAD 0.00001 and 0.00002; gnomAD exomes 0.00001 and 0.00002; TOPMed 0.00002.
gnomAD v4.1: 16 of 1,613,970 alleles (0.00099%); highest among the groups gnomAD compares: South Asian, 0.0066%; no homozygotes.

Submissions (3):

Labcorp Genetics (formerly Invitae), Labcorp
Classification: Uncertain significance for Brugada syndrome 5. Last evaluated: 2025-12-13. Review status: criteria provided, single submitter. Criteria: Invitae Variant Classification Sherloc (09022015). Collection method: clinical testing. Allele origin: germline.
Comment: The SCN1B gene has multiple clinically relevant transcripts. This variant occurs in alternate transcript NM_001037.5, and corresponds to NM_199037.3:c.*5076T>C in the primary transcript. This sequence change replaces valine, which is neutral and non-polar, with alanine, which is neutral and non-polar, at codon 169 of the SCN1B protein (p.Val169Ala). This variant is present in population databases (no rsID available, gnomAD 0.006%). This missense change has been observed in individual(s) with clinical features of SCN1B-related conditions (PMID: 33049752). Experimental studies and prediction algorithms are not available or were not evaluated, and the functional significance of this variant is currently unknown. In summary, the available evidence is currently insufficient to determine the role of this variant in disease. Therefore, it has been classified as a Variant of Uncertain Significance.

GeneDx
Classification: Uncertain significance. Last evaluated: 2025-01-29. Review status: criteria provided, single submitter. Criteria: GeneDx Variant Classification Process June 2021. Collection method: clinical testing. Allele origin: germline. Affected: yes.
Comment: Reported in a child with left ventricular non-compaction, supraventricular tachycardia, and heart failure symptoms upon physical exercise (PMID: 33049752); Not observed at significant frequency in large population cohorts (gnomAD); In silico analysis indicates that this missense variant does not alter protein structure/function; This variant is associated with the following publications: (PMID: 33049752)

Ambry Genetics
Classification: Uncertain significance for Cardiovascular phenotype. Last evaluated: 2020-02-21. Review status: criteria provided, single submitter. Criteria: Ambry Variant Classification Scheme 2023. Collection method: clinical testing. Allele origin: germline.
Comment: The p.V169A variant (also known as c.506T>C), located in coding exon 4 of the SCN1B gene, results from a T to C substitution at nucleotide position 506. The valine at codon 169 is replaced by alanine, an amino acid with similar properties. This amino acid position is not well conserved in available vertebrate species. In addition, the in silico prediction for this alteration is inconclusive. Since supporting evidence is limited at this time, the clinical significance of this alteration remains unclear.

Literature cited by the submitters: PubMed 33049752 (cited by Labcorp Genetics (formerly Invitae), Labcorp).